The following is an entry in ClinVar:

ClinVar aggregate classification (germline): Pathogenic (1 of 4 stars; one submission).

Conditions:
Ehlers-Danlos syndrome, classic type, 1 (EDSCL1). Also called: EHLERS-DANLOS SYNDROME, GRAVIS TYPE; EHLERS-DANLOS SYNDROME, SEVERE CLASSIC TYPE; Ehlers-Danlos syndrome, type 1; Ehlers-Danlos Syndrome, Classic Type, COL5A1-Related; EDS I. Identifiers: MedGen C0268335, MONDO:0019567, OMIM 130000.
Osteogenesis imperfecta type I (OI1). Also called: OI, TYPE I; OSTEOGENESIS IMPERFECTA TARDA; OSTEOGENESIS IMPERFECTA WITH BLUE SCLERAE; Osteogenesis imperfecta type 1; Lobstein's Disease; Lobstein disease. Identifiers: Orphanet 216796, Orphanet 666, MedGen C0023931, MONDO:0008146, OMIM 166200. Disease mechanism: loss of function.

Submission:

Labcorp Genetics (formerly Invitae), Labcorp
Classification: Pathogenic for Osteogenesis imperfecta type I; Ehlers-Danlos syndrome, classic type, 1. Last evaluated: 2024-05-25. Review status: criteria provided, single submitter. Criteria: Invitae Variant Classification Sherloc (09022015). Collection method: clinical testing. Allele origin: germline.
Comment: This sequence change replaces glycine, which is neutral and non-polar, with arginine, which is basic and polar, at codon 199 of the COL1A2 protein (p.Gly199Arg). This variant is not present in population databases (gnomAD no frequency). This missense change has been observed in individual(s) with autosomal dominant osteogenesis imperfecta (PMID: 27509835). This variant disrupts the triple helix domain of COL1A2. Glycine residues within the Gly-Xaa-Yaa repeats of the triple helix domain are required for the structure and stability of fibrillar collagens (PMID: 7695699, 8218237, 19344236). In COL1A2, variants affecting these glycine residues are significantly enriched in individuals with disease (PMID: 9016532, 17078022) compared to the general population (ExAC). For these reasons, this variant has been classified as Pathogenic.

Literature cited by the submitters: PubMed 27509835; PubMed 7695699; PubMed 8218237; PubMed 19344236; PubMed 9016532; PubMed 17078022.

NM_000089.4(COL1A2):c.595G>C (p.Gly199Arg)

Gene: COL1A2 (collagen type I alpha 2 chain; plus strand). Cytogenetic location: 7q21.3.
Variant type: single nucleotide variant.
Coding change: c.595G>C on transcript NM_000089.4 (MANE Select); coding-DNA position 595, G replaced by C.
Protein change: p.Gly199Arg; replaces glycine 199 with arginine.
Molecular consequence: missense variant.
Genome position (GRCh38, 1-based): chr7:94,407,847, G>C. VCF-style: chr7-94407847-G-C. GRCh37 (hg19) VCF-style: chr7-94037159-G-C.
Other names: short protein forms G199R.
Identifiers: ClinVar variation 3759113 (VCV003759113.2).